The following is an entry in ClinVar:

ClinVar aggregate classification (germline): Likely pathogenic (1 of 4 stars; one submission).

Conditions:
Nephronophthisis 15 (NPHP15). Identifiers: Orphanet 3156, MedGen C3541853, MONDO:0013917, OMIM 614845.

Submission:

Labcorp Genetics (formerly Invitae), Labcorp
Classification: Likely pathogenic for Nephronophthisis 15. Last evaluated: 2025-06-03. Review status: criteria provided, single submitter. Criteria: Invitae Variant Classification Sherloc (09022015). Collection method: clinical testing. Allele origin: germline.
Comment: This sequence change affects a donor splice site in intron 14 of the CEP164 gene. It is expected to disrupt RNA splicing. Variants that disrupt the donor or acceptor splice site typically lead to a loss of protein function (PMID: 16199547), and loss-of-function variants in CEP164 are known to be pathogenic (PMID: 22863007, 28125082, 32367404, 34132027, 34499853). This variant is not present in population databases (gnomAD no frequency). This variant has not been reported in the literature in individuals affected with CEP164-related conditions. Algorithms developed to predict the effect of sequence changes on RNA splicing suggest that this variant may disrupt the consensus splice site. In summary, the currently available evidence indicates that the variant is pathogenic, but additional data are needed to prove that conclusively. Therefore, this variant has been classified as Likely Pathogenic.

Literature cited by the submitters: PubMed 16199547; PubMed 22863007; PubMed 28125082; PubMed 32367404; PubMed 34132027; PubMed 34499853.

NM_014956.5(CEP164):c.1724+1G>T

Gene: CEP164 (centrosomal protein 164; plus strand). Cytogenetic location: 11q23.3.
Variant type: single nucleotide variant.
Coding change: c.1724+1G>T on transcript NM_014956.5 (MANE Select); the canonical splice donor site of the intron after coding-DNA position 1724, G replaced by T.
Molecular consequence: splice donor variant. On other transcripts: intron variant (27).
Genome position (GRCh38, 1-based): chr11:117,382,943, G>T. VCF-style: chr11-117382943-G-T. GRCh37 (hg19) VCF-style: chr11-117253659-G-T.
Other names: c.1733+1G>T (NM_001271933.2, NM_001440949.1); c.1565+1G>T (NM_001440972.1); c.1586+1075G>T (NM_001440967.1, NM_001440961.1); c.1637+1075G>T (NM_001440956.1, NM_001440957.1); c.1724+1G>T (NM_001440950.1, NM_001440953.1, NM_001440951.1 and 1 more transcripts); c.1577+1075G>T (NM_001440962.1, NM_001440970.1, NM_001440964.1 and 6 more transcripts); c.1559+1075G>T (NM_001440952.1, NM_001440987.1, NM_001440968.1 and 1 more transcripts); c.1646+1G>T (NM_001440954.1, NM_001440958.1, NM_001440983.1 and 2 more transcripts); and 2 more.
Identifiers: ClinVar variation 4720689 (VCV004720689.1).